The following is an entry in ClinVar:

NM_001101.5(ACTB):c.215A>G (p.Glu72Gly)

Gene: ACTB (actin beta; minus strand). Cytogenetic location: 7p22.1.
Variant type: single nucleotide variant.
Coding change: c.215A>G on transcript NM_001101.5 (MANE Select); coding-DNA position 215, A replaced by G.
Protein change: p.Glu72Gly; replaces glutamic acid 72 with glycine.
Molecular consequence: missense variant.
Genome position (GRCh38, 1-based): chr7:5,529,309, T>C on the plus strand (A>G on the coding strand, the complement: ACTB is on the minus strand). VCF-style: chr7-5529309-T-C. GRCh37 (hg19) VCF-style: chr7-5568940-T-C.
Other names: c.215A>G (LRG_132t1); short protein forms E72G.
Identifiers: ClinVar variation 429359 (VCV000429359.4), dbSNP rs1131691341, ClinGen allele CA366704917.

ClinVar aggregate classification (germline): Likely pathogenic (1 of 4 stars; one submission).

Conditions:
Baraitser-Winter syndrome 1 (BRWS1). Also called: BARAITSER-WINTER SYNDROME 1, ATYPICAL; PACHYGYRIA, MENTAL RETARDATION, EPILEPSY, AND CHARACTERISTIC FACIES; MENTAL RETARDATION WITH EPILEPSY AND CHARACTERISTIC FACIES; Cerebrofrontofacial syndrome. Identifiers: Orphanet 2649, Orphanet 2995, MedGen C1855722, MONDO:0009470, OMIM 243310.

Submission:

GeneDx
Classification: Likely pathogenic. Last evaluated: 2017-05-04. Review status: criteria provided, single submitter. Criteria: GeneDx Variant Classification (06012015). Collection method: clinical testing. Allele origin: germline. Affected: yes.
Comment: The E72G variant in the ACTB gene has not been reported previously as a pathogenic variant, nor as a benign variant, to our knowledge. The E72G variant is not observed in large population cohorts (Lek et al., 2016; 1000 Genomes Consortium et al., 2015; Exome Variant Server). The E72G variant is a non-conservative amino acid substitution, which is likely to impact secondary protein structure as these residues differ in polarity, charge, size and/or other properties. This substitution occurs at a position that is conserved across species. In silico analysis predicts this variant is probably damaging to the protein structure/function. We interpret E72G as a likely pathogenic variant.